The following is an entry in ClinVar:

ClinVar aggregate classification (germline): Uncertain significance (1 of 4 stars; one submission).

Conditions:
Lissencephaly due to TUBA1A mutation (CDCBM16). Also called: Lissencephaly 3; CORTICAL DYSPLASIA, COMPLEX, WITH OTHER BRAIN MALFORMATIONS 16. Identifiers: Orphanet 171680, MedGen C4305153, MONDO:0012703, OMIM 611603.

Submission:

Broad Center for Mendelian Genomics, Broad Institute of MIT and Harvard
Classification: Uncertain significance for Lissencephaly due to TUBA1A mutation. Last evaluated: 2024-05-22. Review status: criteria provided, single submitter. Criteria: ACMG Guidelines, 2015. Collection method: curation. Allele origin: germline. Inheritance: Autosomal dominant inheritance.
Comment: The variant has not been previously reported in individuals with lissencephaly 3, and was absent from large population studies. Computational prediction tools and conservation analyses suggest that this variant may impact the protein, though this information is not predictive enough to determine pathogenicity. The number of missense variants reported in TUBA1A in the general population is lower than expected, suggesting there is little benign variation in this gene and slightly increasing the possibility that a missense variant in this gene may not be tolerated. In summary, the clinical significance of the p.Ala104Val variant is uncertain. ACMG/AMP Criteria applied: PM2_Supporting, PP3_Moderate, PP2 (Richards 2015).

NM_006009.4(TUBA1A):c.311C>T (p.Ala104Val)

Gene: TUBA1A (tubulin alpha 1a; minus strand). Cytogenetic location: 12q13.12.
Variant type: single nucleotide variant.
Coding change: c.311C>T on transcript NM_006009.4 (MANE Select); coding-DNA position 311, C replaced by T.
Protein change: p.Ala104Val; replaces alanine 104 with valine.
Molecular consequence: missense variant.
Genome position (GRCh38, 1-based): chr12:49,186,374, G>A on the plus strand (C>T on the coding strand, the complement: TUBA1A is on the minus strand). VCF-style: chr12-49186374-G-A. GRCh37 (hg19) VCF-style: chr12-49580157-G-A.
Other names: NM_001270400.2:c.206C>T; c.311C>T, p.Ala104Val (NM_001270399.2); c.206C>T, p.Ala69Val (NM_001270400.2); short protein forms A104V, A69V.
Identifiers: ClinVar variation 3236672 (VCV003236672.1), dbSNP rs2498862422, ClinGen allele CA384643314.